The following is an entry in ClinVar:

NM_013352.4(DSE):c.2515A>G (p.Lys839Glu)

Gene: DSE (dermatan sulfate epimerase; plus strand). Cytogenetic location: 6q22.1.
Variant type: single nucleotide variant.
Coding change: c.2515A>G on transcript NM_013352.4 (MANE Select); coding-DNA position 2515, A replaced by G.
Protein change: p.Lys839Glu; replaces lysine 839 with glutamic acid.
Molecular consequence: missense variant. On other transcripts: 3 prime UTR variant (2), non-coding transcript variant (1).
Genome position (GRCh38, 1-based): chr6:116,436,983, A>G. VCF-style: chr6-116436983-A-G. GRCh37 (hg19) VCF-style: chr6-116758146-A-G.
Other names: c.2515A>G, p.Lys839Glu (NM_001080976.3, NM_001322937.2, NM_001322938.2); c.2572A>G, p.Lys858Glu (NM_001322939.2); c.1954A>G, p.Lys652Glu (NM_001322940.2, NM_001322941.2); c.*1380A>G (NM_001322943.2, NM_001322944.2); c.1516A>G, p.Lys506Glu (NM_001374520.1); c.1480A>G, p.Lys494Glu (NM_001374521.1); short protein forms K494E, K506E, K652E, K839E, K858E.
Identifiers: ClinVar variation 4688398 (VCV004688398.1).
Genomic context (GRCh38, chr6:116,436,983, plus strand): 5'-GTGGATGCTGTCCCTGATATTTTTGCACAGATTGAAGTCAATGAGAAAAAGATTAGACAG[A>G]AAGCTCAGATTTTGGCACAGAAAGAACTACCCATAGATGAAGATGAAGAAATGAAAGACC-3'
Protein context (NP_037484.1, residues 829-849): IEVNEKKIRQ[Lys839Glu]AQILAQKELP

ClinVar aggregate classification (germline): Uncertain significance (1 of 4 stars; one submission).

Submission:

Women's Health and Genetics/Laboratory Corporation of America, LabCorp
Classification: Uncertain significance. Last evaluated: 2025-12-30. Review status: criteria provided, single submitter. Criteria: LabCorp Variant Classification Summary - May 2015. Collection method: clinical testing. Allele origin: germline.
Comment: Variant summary: DSE c.2515A>G (p.Lys839Glu) results in a conservative amino acid change in the encoded protein sequence. Algorithms developed to predict the effect of missense changes on protein structure and function are either unavailable or do not agree on the potential impact of this missense change. The variant was absent in 250678 control chromosomes. The available data on variant occurrences in the general population are insufficient to allow any conclusion about variant significance. To our knowledge, no occurrence of c.2515A>G in individuals affected with DSE-related conditions and no experimental evidence demonstrating its impact on protein function have been reported. No submitters have cited clinical-significance assessments for this variant to ClinVar. Based on the evidence outlined above, the variant was classified as uncertain significance.